The following is an entry in ClinVar:

ClinVar aggregate classification (germline): Uncertain significance (1 of 4 stars; one submission).

Conditions:
Hypogonadotropic hypogonadism 2 with or without anosmia (HH2). Also called: FGFR1-Related GnRH Deficiency (Kallmann Syndrome 2); HYPOGONADOTROPIC HYPOGONADISM 2 WITHOUT ANOSMIA; HYPOGONADOTROPIC HYPOGONADISM 2 WITH OR WITHOUT ANOSMIA, SUSCEPTIBILITY TO; HYPOGONADOTROPIC HYPOGONADISM 2 WITHOUT ANOSMIA, SUSCEPTIBILITY TO. Identifiers: Orphanet 478, MedGen C1563720, MONDO:0007844, OMIM 147950. Disease mechanism: loss of function.
Pfeiffer syndrome (ACS5). Also called: ACS V. Identifiers: Orphanet 710, MedGen C0220658, MONDO:0007043, OMIM 101600.

Allele frequency attached by ClinVar (database versions not stated): ExAC 0.00001; gnomAD exomes 0.00001 and 0.00004; gnomAD 0.00003; TOPMed 0.00003.
gnomAD v4.1: 67 of 1,613,934 alleles (0.0042%); highest among the groups gnomAD compares: Non-Finnish European, 0.0053%; no homozygotes.

Submission:

Labcorp Genetics (formerly Invitae), Labcorp
Classification: Uncertain significance for Pfeiffer syndrome; Hypogonadotropic hypogonadism 2 with or without anosmia. Last evaluated: 2024-07-19. Review status: criteria provided, single submitter. Criteria: Invitae Variant Classification Sherloc (09022015). Collection method: clinical testing. Allele origin: germline.
Comment: This sequence change replaces valine, which is neutral and non-polar, with methionine, which is neutral and non-polar, at codon 61 of the FGFR1 protein (p.Val61Met). This variant is present in population databases (rs762089291, gnomAD 0.002%). This missense change has been observed in individual(s) with craniosynostosis (PMID: 29168297). ClinVar contains an entry for this variant (Variation ID: 1423631). Advanced modeling of protein sequence and biophysical properties (such as structural, functional, and spatial information, amino acid conservation, physicochemical variation, residue mobility, and thermodynamic stability) performed at Invitae indicates that this missense variant is not expected to disrupt FGFR1 protein function with a negative predictive value of 95%. In summary, the available evidence is currently insufficient to determine the role of this variant in disease. Therefore, it has been classified as a Variant of Uncertain Significance.

Literature cited by the submitters: PubMed 29168297.

NM_023110.3(FGFR1):c.181G>A (p.Val61Met)

Gene: FGFR1 (fibroblast growth factor receptor 1; minus strand). Cytogenetic location: 8p11.23.
Variant type: single nucleotide variant.
Coding change: c.181G>A on transcript NM_023110.3 (MANE Select); coding-DNA position 181, G replaced by A.
Protein change: p.Val61Met; replaces valine 61 with methionine.
Molecular consequence: missense variant. On other transcripts: intron variant (5).
Genome position (GRCh38, 1-based): chr8:38,429,859, C>T on the plus strand (G>A on the coding strand, the complement: FGFR1 is on the minus strand). VCF-style: chr8-38429859-C-T. GRCh37 (hg19) VCF-style: chr8-38287377-C-T.
Other names: c.181G>A, p.Val61Met (NM_001174063.2, NM_001174065.2, NM_001354367.2 and 2 more transcripts); c.157G>A, p.Val53Met (NM_001174064.2); c.280G>A, p.Val94Met (NM_001174067.2); c.92-1424G>A (NM_001354368.2, NM_001354370.2, NM_023106.3 and 2 more transcripts); short protein forms V53M, V94M, V61M.
Identifiers: ClinVar variation 1423631 (VCV001423631.6), dbSNP rs762089291, ClinGen allele CA4718859.